The following is an entry in ClinVar:

ClinVar aggregate classification (germline): Uncertain significance. Review status: criteria provided, multiple submitters, no conflicts (2 of 4 stars). 5 submissions from 5 submitters: Uncertain significance (5). Last evaluated 2026-04-09.

Conditions:
Ehlers-Danlos syndrome, type 4 (EDSVASC). Also called: Ehlers-Danlos syndrome vascular type; Ehlers Danlos syndrome, ecchymotic type; Ehlers Danlos syndrome, arterial type; Ehlers Danlos syndrome, Sack-Barabas type; Ehlers-Danlos Syndrome Type IV. Identifiers: Orphanet 286, MedGen C0268338, MONDO:0017314, OMIM 130050.
Polymicrogyria with or without vascular-type Ehlers-Danlos syndrome. Identifiers: Orphanet 636941, MedGen C5193040, MONDO:0032688, OMIM 618343.
Familial thoracic aortic aneurysm and aortic dissection (TAAD). Also called: Thoracic aortic aneurysms and dissections. Identifiers: Orphanet 91387, MedGen C4707243, MONDO:0019625.

Submissions (5):

Ambry Genetics
Classification: Uncertain significance for Familial thoracic aortic aneurysm and aortic dissection. Last evaluated: 2026-04-09. Review status: criteria provided, single submitter. Criteria: Ambry Variant Classification Scheme 2023. Collection method: clinical testing. Allele origin: germline.
Comment: The c.86_88delAAG variant (also known as p.E29del) is located in coding exon 2 of the COL3A1 gene. This variant results from an in-frame AAG deletion at nucleotide positions 86 to 88. This results in the in-frame deletion of a glutamic acid at codon 29. This variant was reported in individual(s) with features consistent with Ehlers-Danlos syndrome (Wilson GN et al. Curr Issues Mol Biol, 2024 Mar;46:2620-2643). This amino acid position is poorly conserved in available vertebrate species. In addition, the in silico prediction for this variant is inconclusive (Choi Y et al. PLoS ONE. 2012; 7(10):e46688). Based on the available evidence, the clinical significance of this variant remains unclear.

GeneDx
Classification: Uncertain significance. Last evaluated: 2024-06-12. Review status: criteria provided, single submitter. Criteria: GeneDx Variant Classification Process June 2021. Collection method: clinical testing. Allele origin: germline. Affected: yes.
Comment: Has not been previously published as pathogenic or benign to our knowledge; Not observed in large population cohorts (gnomAD); In-frame deletion of 1 amino acid in a non-repeat region; In silico analysis supports a deleterious effect on protein structure/function

Labcorp Genetics (formerly Invitae), Labcorp
Classification: Uncertain significance for Ehlers-Danlos syndrome, type 4. Last evaluated: 2023-04-25. Review status: criteria provided, single submitter. Criteria: Invitae Variant Classification Sherloc (09022015). Collection method: clinical testing. Allele origin: germline.
Comment: This variant, c.86_88del, results in the deletion of 1 amino acid(s) of the COL3A1 protein (p.Glu29del), but otherwise preserves the integrity of the reading frame. This variant is not present in population databases (gnomAD no frequency). This variant has not been reported in the literature in individuals affected with COL3A1-related conditions. ClinVar contains an entry for this variant (Variation ID: 628748). Experimental studies and prediction algorithms are not available or were not evaluated, and the functional significance of this variant is currently unknown. In summary, the available evidence is currently insufficient to determine the role of this variant in disease. Therefore, it has been classified as a Variant of Uncertain Significance.

Fulgent Genetics
Classification: Uncertain significance for Ehlers-Danlos syndrome, type 4; Polymicrogyria with or without vascular-type Ehlers-Danlos syndrome. Last evaluated: 2021-08-27. Review status: criteria provided, single submitter. Criteria: ACMG Guidelines, 2015. Collection method: clinical testing. Allele origin: unknown.

Color Diagnostics, LLC DBA Color Health
Classification: Uncertain significance for Familial thoracic aortic aneurysm and aortic dissection. Last evaluated: 2019-01-03. Review status: criteria provided, single submitter. Criteria: ACMG Guidelines, 2015. Collection method: clinical testing. Allele origin: germline.
Comment: Variant of Uncertain Significance due to insufficient evidence: This variant causes a deletion of a single amino acid from the N-terminal propeptide sequence of the COL3A1 protein. This variant occurs at a position that is not well conserved in mammals. Computational splicing tools suggest that this variant may not impact RNA splicing. To our knowledge, functional assays have not been performed for this variant nor has this variant been reported in individuals affected with cardiovascular disorders in the literature. This variant is rare in the general population and has been identified in 0/277264 chromosomes by the Genome Aggregation Database (gnomAD). Available evidence is insufficient to determine the role of this variant in disease conclusively.

Literature cited by the submitters: PubMed 38534782 (cited by Ambry Genetics).

NM_000090.4(COL3A1):c.86_88del (p.Glu29del)

Gene: COL3A1 (collagen type III alpha 1 chain; plus strand). Cytogenetic location: 2q32.2.
Variant type: Deletion.
Coding change: c.86_88del on transcript NM_000090.4 (MANE Select); coding-DNA positions 86 to 88, 3 bases deleted (AAG; older notation c.86_88delAAG).
Protein change: p.Glu29del; deletes glutamic acid 29.
Molecular consequence: inframe deletion.
Genome position (GRCh38, 1-based): chr2:188,984,766-188,984,768, AAG deleted; deleting any 3 consecutive bases within chr2:188,984,765-188,984,768 gives the same sequence; the c. name uses the placement nearest the transcript's 3' end. VCF-style (leftmost placement, unchanged base first): chr2-188984764-TGAA-T. GRCh37 (hg19) VCF-style: chr2-189849490-TGAA-T.
Other names: c.86_88delAAG (NM_000090.3); short protein forms E29del.
Identifiers: ClinVar variation 628748 (VCV000628748.13), dbSNP rs1559052566, ClinGen allele CA913187956.